The following is an entry in ClinVar:

ClinVar aggregate classification (germline): Uncertain significance (1 of 4 stars; one submission).

Conditions:
Neurodevelopmental disorder with hypotonia, stereotypic hand movements, and impaired language. Also called: Intellectual disability, autosomal dominant 20. Identifiers: Orphanet 228384, Orphanet 664410, MedGen C3150700, MONDO:0013266, OMIM 613443.

Allele frequency attached by ClinVar (database versions not stated): gnomAD exomes below 0.00001.
gnomAD v4.1: 4 of 1,575,958 alleles (0.00025%); highest among the groups gnomAD compares: Non-Finnish European, 0.00026%; no homozygotes.

Submission:

Labcorp Genetics (formerly Invitae), Labcorp
Classification: Uncertain significance for Neurodevelopmental disorder with hypotonia, stereotypic hand movements, and impaired language. Last evaluated: 2023-12-11. Review status: criteria provided, single submitter. Criteria: Invitae Variant Classification Sherloc (09022015). Collection method: clinical testing. Allele origin: germline.
Comment: This sequence change replaces threonine, which is neutral and polar, with methionine, which is neutral and non-polar, at codon 205 of the MEF2C protein (p.Thr205Met). This variant is not present in population databases (gnomAD no frequency). This variant has not been reported in the literature in individuals affected with MEF2C-related conditions. Advanced modeling of protein sequence and biophysical properties (such as structural, functional, and spatial information, amino acid conservation, physicochemical variation, residue mobility, and thermodynamic stability) has been performed at Invitae for this missense variant, however the output from this modeling did not meet the statistical confidence thresholds required to predict the impact of this variant on MEF2C protein function. In summary, the available evidence is currently insufficient to determine the role of this variant in disease. Therefore, it has been classified as a Variant of Uncertain Significance.

NM_002397.5(MEF2C):c.614C>T (p.Thr205Met)

Gene: MEF2C (myocyte enhancer factor 2C; minus strand). Cytogenetic location: 5q14.3.
Variant type: single nucleotide variant.
Coding change: c.614C>T on transcript NM_002397.5 (MANE Select); coding-DNA position 614, C replaced by T.
Protein change: p.Thr205Met; replaces threonine 205 with methionine.
Molecular consequence: missense variant.
Genome position (GRCh38, 1-based): chr5:88,749,093, G>A on the plus strand (C>T on the coding strand, the complement: MEF2C is on the minus strand). VCF-style: chr5-88749093-G-A. GRCh37 (hg19) VCF-style: chr5-88044910-G-A.
Other names: c.614C>T, p.Thr205Met (NM_001364346.2, NM_001364347.2, NM_001364348.2 and 18 more transcripts); c.608C>T, p.Thr203Met (NM_001364352.2, NM_001131005.2, NM_001364343.2); c.236C>T, p.Thr79Met (NM_001364353.2, NM_001364356.2); c.470C>T, p.Thr157Met (NM_001364354.2, NM_001364355.2, NM_001364332.2 and 3 more transcripts); c.668C>T, p.Thr223Met (NM_001193347.1, NM_001364338.2); c.188C>T, p.Thr63Met (NM_001364357.2); short protein forms T157M, T205M, T223M, T63M, T79M, T203M.
Identifiers: ClinVar variation 2722532 (VCV002722532.3), dbSNP rs1771366071, ClinGen allele CA360423588.